The following is an entry in ClinVar:

ClinVar aggregate classification (germline): Uncertain significance (1 of 4 stars; one submission).

gnomAD v4.1: 10 of 1,614,154 alleles (0.00062%); highest among the groups gnomAD compares: Non-Finnish European, 0.00076%; no homozygotes.

Submission:

Labcorp Genetics (formerly Invitae), Labcorp
Classification: Uncertain significance. Last evaluated: 2024-06-26. Review status: criteria provided, single submitter. Criteria: Invitae Variant Classification Sherloc (09022015). Collection method: clinical testing. Allele origin: germline.
Comment: This sequence change replaces serine, which is neutral and polar, with leucine, which is neutral and non-polar, at codon 262 of the C2 protein (p.Ser262Leu). This variant is not present in population databases (gnomAD no frequency). This variant has not been reported in the literature in individuals affected with C2-related conditions. An algorithm developed to predict the effect of missense changes on protein structure and function (PolyPhen-2) suggests that this variant is likely to be disruptive. In summary, the available evidence is currently insufficient to determine the role of this variant in disease. Therefore, it has been classified as a Variant of Uncertain Significance.

NM_000063.6(C2):c.785C>T (p.Ser262Leu)

Gene: C2 (complement C2; plus strand). Cytogenetic location: 6p21.33.
Variant type: single nucleotide variant.
Coding change: c.785C>T on transcript NM_000063.6 (MANE Select); coding-DNA position 785, C replaced by T.
Protein change: p.Ser262Leu; replaces serine 262 with leucine.
Molecular consequence: missense variant. On other transcripts: intron variant (2).
Genome position (GRCh38, 1-based): chr6:31,934,235, C>T. VCF-style: chr6-31934235-C-T. GRCh37 (hg19) VCF-style: chr6-31902012-C-T.
Other names: c.389C>T, p.Ser130Leu (NM_001145903.3); c.698C>T, p.Ser233Leu (NM_001282458.2); c.785C>T, p.Ser262Leu (NM_001282459.2); c.111+452C>T (NM_001282457.2); c.346+270C>T (NM_001178063.3); short protein forms S262L, S130L, S233L.
Identifiers: ClinVar variation 3674569 (VCV003674569.1), dbSNP rs267600964.